The following is an entry in ClinVar:

ClinVar aggregate classification (germline): Conflicting classifications of pathogenicity. Review status: criteria provided, conflicting classifications (1 of 4 stars). 7 submissions from 7 submitters: Uncertain significance (4); Likely benign (2). 1 of the submissions does not count toward it. Last evaluated 2026-05-11.

Conditions:
Retinal dystrophy. Also called: Inherited retinal dystrophy. Identifiers: Orphanet 71862, MedGen C0854723, MeSH D058499, MONDO:0019118, HP:0000556.
Retinitis pigmentosa (RP). Identifiers: Orphanet 791, MedGen C0035334, MeSH D012174, MONDO:0019200, OMIM 268000. Inheritance: Autosomal dominant, autosomal recessive and X linked inheritance.
EYS-related disorder. Also called: EYS-related condition.
Retinitis pigmentosa 25 (RP25). Identifiers: Orphanet 791, MedGen C1864446, MONDO:0011272, OMIM 602772.

Allele frequency attached by ClinVar (database versions not stated): gnomAD exomes 0.00006 and 0.00024; gnomAD 0.00008 and 0.00011; TOPMed 0.00016; 1000 Genomes Project 30x 0.00078; 1000 Genomes Project 0.00080.
gnomAD v4.1: 93 of 1,551,640 alleles (0.006%); highest among the groups gnomAD compares: East Asian, 0.22%; no homozygotes.

Submissions (7):

PreventionGenetics, part of Exact Sciences
Classification: Uncertain significance for EYS-related condition. Last evaluated: 2026-05-11. Review status: criteria provided, single submitter. Criteria: ACMG Guidelines, 2015. Collection method: clinical testing. Allele origin: germline.
Comment: The EYS c.8860T>C variant is predicted to result in the amino acid substitution p.Phe2954Leu. This variant was reported in an individual with retinitis pigmentosa (Ge et al. 2015. PubMed ID: 26667666). However, this variant is reported in 0.35% of alleles in individuals of East Asian descent in gnomAD, which may be too frequent to be a primary cause of disease. Although we suspect that this variant may be benign, at this time, the clinical significance of this variant is uncertain due to the absence of conclusive functional and genetic evidence.

Labcorp Genetics (formerly Invitae), Labcorp
Classification: Likely benign. Last evaluated: 2026-01-28. Review status: criteria provided, single submitter. Criteria: Invitae Variant Classification Sherloc (09022015). Collection method: clinical testing. Allele origin: germline.

Blueprint Genetics
Classification: Uncertain significance. Last evaluated: 2024-08-30. Review status: criteria provided, single submitter. Criteria: ACMG Guidelines, 2015. Collection method: clinical testing. Allele origin: germline.

Dept Of Ophthalmology, Nagoya University
Classification: Uncertain significance for Retinal dystrophy. Last evaluated: 2023-10-01. Review status: criteria provided, single submitter. Criteria: Submitter's publication. Collection method: research. Allele origin: germline. Affected: yes.

Women's Health and Genetics/Laboratory Corporation of America, LabCorp
Classification: Likely benign. Last evaluated: 2022-06-02. Review status: criteria provided, single submitter. Criteria: LabCorp Variant Classification Summary - May 2015. Collection method: clinical testing. Allele origin: germline.
Comment: Variant summary: EYS c.8860T>C (p.Phe2954Leu) results in a non-conservative amino acid change in the encoded protein sequence. Three of five in-silico tools predict a benign effect of the variant on protein function. The variant allele was found at a frequency of 0.00023 in 187570 control chromosomes, predominantly at a frequency of 0.0035 within the East Asian subpopulation in the gnomAD database. The observed variant frequency within East Asian control individuals in the gnomAD database is approximately 1.02 fold of the estimated maximal expected allele frequency for a pathogenic variant in EYS causing Retinitis Pigmentosa phenotype (0.0035 vs 0.0034), strongly suggesting that the variant is a benign polymorphism found primarily in populations of East Asian origin. c.8860T>C has been reported in the literature in individuals affected with Retinitis Pigmentosa (Ge_2015, Numa_2020). These reports do not provide unequivocal conclusions about association of the variant with Retinitis Pigmentosa. To our knowledge, no experimental evidence demonstrating an impact on protein function has been reported. Three ClinVar submitters (evaluation after 2014) cite the variant as uncertain significance (n=2) and likely benign (n=1). Based on the evidence outlined above, the variant was classified as likely benign.

Illumina Laboratory Services, Illumina
Classification: Uncertain significance for Retinitis pigmentosa. Last evaluated: 2018-01-13. Review status: criteria provided, single submitter. Criteria: ICSL Variant Classification Criteria 13 December 2019. Collection method: clinical testing. Allele origin: germline.

Counsyl
Classification: Uncertain significance for Retinitis pigmentosa 25. Last evaluated: 2017-06-05. Review status: no assertion criteria provided. Collection method: clinical testing. Allele origin: unknown. Not counted in ClinVar's aggregate classification.

Literature cited by the submitters: PubMed 29159838 (cited by Women's Health and Genetics/Laboratory Corporation of America, LabCorp); PubMed 32675063 (cited by Women's Health and Genetics/Laboratory Corporation of America, LabCorp); PubMed 31213501 (cited by Women's Health and Genetics/Laboratory Corporation of America, LabCorp); PubMed 26667666 (cited by Women's Health and Genetics/Laboratory Corporation of America, LabCorp and Counsyl); PubMed 33247286 (cited by Women's Health and Genetics/Laboratory Corporation of America, LabCorp); PubMed 34178978 (cited by Women's Health and Genetics/Laboratory Corporation of America, LabCorp).

NM_001142800.2(EYS):c.8860T>C (p.Phe2954Leu)

Genes: EYS (EGF-like photoreceptor maintenance factor; minus strand), PHF3 (PHD finger protein 3; plus strand). Cytogenetic location: 6q12.
Variant type: single nucleotide variant.
Coding change: c.8860T>C on transcript NM_001142800.2 (MANE Select); coding-DNA position 8860, T replaced by C.
Protein change: p.Phe2954Leu; replaces phenylalanine 2954 with leucine.
Molecular consequence: missense variant. On other transcripts: 3 prime UTR variant (5).
Genome position (GRCh38, 1-based): chr6:63,721,171, A>G on the plus strand (T>C on the coding strand, the complement: EYS is on the minus strand). VCF-style: chr6-63721171-A-G. GRCh37 (hg19) VCF-style: chr6-64431067-A-G.
Other names: c.*7463A>G (NM_001290259.2, NM_001370348.2, NM_001370349.2 and 2 more transcripts); c.8923T>C, p.Phe2975Leu (NM_001292009.2); short protein forms F2954L, F2975L.
Identifiers: ClinVar variation 552326 (VCV000552326.18), dbSNP rs79036642, ClinGen allele CA140236822.